The following is an entry in ClinVar:

ClinVar aggregate classification (germline): Uncertain significance (1 of 4 stars; one submission).

Conditions:
Alstrom syndrome (ALMS). Identifiers: Orphanet 64, MedGen C0268425, MONDO:0008763, OMIM 203800.

gnomAD v4.1: 18 of 152,184 alleles (0.012%); highest among the groups gnomAD compares: African/African-American, 0.041%; no homozygotes.

Submission:

3billion
Classification: Uncertain significance for Alstrom syndrome. Last evaluated: 2025-01-10. Review status: criteria provided, single submitter. Criteria: ACMG Guidelines, 2015. Collection method: clinical testing. Allele origin: germline. Affected: yes.
Comment: The variant is observed at an extremely low frequency in the gnomAD v4.1.0 dataset (total allele frequency: 0.012%). Predicted Consequence/Location: Intron variant In silico tools do not predict the variant to alter splicing and produce an abnormal transcript [SpliceAI: 0 (<=0.1, moderate evidence for non-spliceogenicity)]. However, functional analysis for splicing alteration may yield varying results. Therefore, this variant is classified as VUS according to the recommendation of ACMG/AMP guideline.

NM_001378454.1(ALMS1):c.1338+1101C>T

Gene: ALMS1 (ALMS1 centrosome and basal body associated protein; plus strand). Cytogenetic location: 2p13.1.
Variant type: single nucleotide variant.
Coding change: c.1338+1101C>T on transcript NM_001378454.1 (MANE Select); 1101 bases into the intron after coding-DNA position 1338, C replaced by T.
Molecular consequence: intron variant.
Genome position (GRCh38, 1-based): chr2:73,427,654, C>T. VCF-style: chr2-73427654-C-T. GRCh37 (hg19) VCF-style: chr2-73654782-C-T.
Other names: c.1338+1101C>T (NM_015120.4).
Identifiers: ClinVar variation 4294098 (VCV004294098.1).